The following is an entry in ClinVar:

NM_001303052.2(MYT1L):c.1953C>T (p.Tyr651=)

Gene: MYT1L (myelin transcription factor 1 like; minus strand). Cytogenetic location: 2p25.3.
Variant type: single nucleotide variant.
Coding change: c.1953C>T on transcript NM_001303052.2 (MANE Select); coding-DNA position 1953, C replaced by T.
Protein change: p.Tyr651=; no amino-acid change (tyrosine 651 retained).
Molecular consequence: synonymous variant.
Genome position (GRCh38, 1-based): chr2:1,903,159, G>A on the plus strand (C>T on the coding strand, the complement: MYT1L is on the minus strand). VCF-style: chr2-1903159-G-A. GRCh37 (hg19) VCF-style: chr2-1906931-G-A.
Other names: c.1953C>T, p.Tyr651= (NM_001329844.2, NM_001329845.1, NM_001329851.3); c.1947C>T, p.Tyr649= (NM_001329846.3, NM_001329847.2, NM_001329848.1 and 3 more transcripts).
Identifiers: ClinVar variation 718921 (VCV000718921.14), dbSNP rs369595125, ClinGen allele CA1514105.

ClinVar aggregate classification (germline): Benign/Likely benign. Review status: criteria provided, multiple submitters, no conflicts (2 of 4 stars). 3 submissions from 3 submitters: Benign (2); Likely benign (1). Last evaluated 2026-08-01.

Allele frequency attached by ClinVar (database versions not stated): gnomAD 0.00036 and 0.00038; TOPMed 0.00036; gnomAD exomes 0.00045 and 0.00079; ESP Exome Variant Server 0.00058; ExAC 0.00062.
gnomAD v4.1: 1,208 of 1,613,964 alleles (0.075%); highest among the groups gnomAD compares: Non-Finnish European, 0.095%; 2 homozygotes.

Submissions (3):

CeGaT Center for Human Genetics Tuebingen
Classification: Likely benign. Last evaluated: 2026-08-01. Review status: criteria provided, single submitter. Criteria: CeGaT Center For Human Genetics Tuebingen Variant Classification Criteria Version 2. Collection method: clinical testing. Allele origin: germline. Affected: yes. Observed: 3 variant alleles.
Comment: MYT1L: BP4, BP7

Labcorp Genetics (formerly Invitae), Labcorp
Classification: Benign. Last evaluated: 2019-12-31. Review status: criteria provided, single submitter. Criteria: Invitae Variant Classification Sherloc (09022015). Collection method: clinical testing. Allele origin: germline.

GeneDx
Classification: Benign. Last evaluated: 2019-06-07. Review status: criteria provided, single submitter. Criteria: GeneDx Variant Classification Process June 2021. Collection method: clinical testing. Allele origin: germline. Affected: yes.